The following is an entry in ClinVar:

ClinVar aggregate classification (germline): Uncertain significance. Review status: criteria provided, multiple submitters, no conflicts (2 of 4 stars). 3 submissions from 3 submitters: Uncertain significance (3). Last evaluated 2021-09-16.

Conditions:
Maple syrup urine disease (MSUD). Identifiers: Orphanet 511, MedGen C0024776, MeSH D008375, MONDO:0009563. Disease mechanism: loss of function.

Allele frequency attached by ClinVar (database versions not stated): gnomAD exomes 0.00002 and 0.00004; ExAC 0.00004; gnomAD 0.00005; TOPMed 0.00006; 1000 Genomes Project 30x 0.00016; 1000 Genomes Project 0.00020.
gnomAD v4.1: 41 of 1,614,154 alleles (0.0025%); highest among the groups gnomAD compares: South Asian, 0.023%; no homozygotes.

Submissions (3):

Fulgent Genetics
Classification: Uncertain significance for Maple syrup urine disease type 1A. Last evaluated: 2021-09-16. Review status: criteria provided, single submitter. Criteria: ACMG Guidelines, 2015. Collection method: clinical testing. Allele origin: unknown.

Labcorp Genetics (formerly Invitae), Labcorp
Classification: Uncertain significance for Maple syrup urine disease. Last evaluated: 2020-12-01. Review status: criteria provided, single submitter. Criteria: Invitae Variant Classification Sherloc (09022015). Collection method: clinical testing. Allele origin: germline.
Comment: This sequence change replaces serine with phenylalanine at codon 426 of the BCKDHA protein (p.Ser426Phe). The serine residue is moderately conserved and there is a large physicochemical difference between serine and phenylalanine. This variant is present in population databases (rs557058340, ExAC 0.02%). This variant has not been reported in the literature in individuals with BCKDHA-related conditions. ClinVar contains an entry for this variant (Variation ID: 199035). Algorithms developed to predict the effect of missense changes on protein structure and function are either unavailable or do not agree on the potential impact of this missense change (SIFT: "Deleterious"; PolyPhen-2: "Benign"; Align-GVGD: "Class C0"). In summary, the available evidence is currently insufficient to determine the role of this variant in disease. Therefore, it has been classified as a Variant of Uncertain Significance.

Eurofins Ntd Llc (ga)
Classification: Uncertain significance. Last evaluated: 2015-04-15. Review status: criteria provided, single submitter. Criteria: EGL Classification Definitions 2015. Collection method: clinical testing. Allele origin: germline. Observed: 1 variant allele, 1 heterozygote.

NM_000709.4(BCKDHA):c.1277C>T (p.Ser426Phe)

Gene: BCKDHA (branched chain keto acid dehydrogenase E1 subunit alpha; plus strand). Cytogenetic location: 19q13.2.
Variant type: single nucleotide variant.
Coding change: c.1277C>T on transcript NM_000709.4 (MANE Select); coding-DNA position 1277, C replaced by T.
Protein change: p.Ser426Phe; replaces serine 426 with phenylalanine.
Molecular consequence: missense variant.
Genome position (GRCh38, 1-based): chr19:41,424,547, C>T. VCF-style: chr19-41424547-C-T. GRCh37 (hg19) VCF-style: chr19-41930452-C-T.
Other names: c.1274C>T, p.Ser425Phe (NM_001164783.2); short protein forms S426F, S425F.
Identifiers: ClinVar variation 199035 (VCV000199035.7), dbSNP rs557058340, ClinGen allele CA248006.